The following is an entry in ClinVar:

ClinVar aggregate classification (germline): Uncertain significance (1 of 4 stars; one submission).

Conditions:
Intellectual developmental disorder, autosomal dominant 6, with or without seizures. Also called: GRIN2B-related developmental delay, intellectual disability and autism spectrum disorder; Intellectual disability, autosomal dominant 6. Identifiers: Orphanet 589547, MedGen C3151411, MONDO:0013509, OMIM 613970.
Developmental and epileptic encephalopathy, 27 (DEE27). Also called: GRIN2B-Related Neurodevelopmental Disorder; Epileptic encephalopathy, early infantile, 27. Identifiers: Orphanet 3451, MedGen C4015316, MONDO:0014505, OMIM 616139.

Submission:

Labcorp Genetics (formerly Invitae), Labcorp
Classification: Uncertain significance for Developmental and epileptic encephalopathy, 27; Intellectual developmental disorder, autosomal dominant 6, with or without seizures. Last evaluated: 2021-04-20. Review status: criteria provided, single submitter. Criteria: Invitae Variant Classification Sherloc (09022015). Collection method: clinical testing. Allele origin: germline.
Comment: This variant has not been reported in the literature in individuals with GRIN2B-related conditions. In summary, the available evidence is currently insufficient to determine the role of this variant in disease. Therefore, it has been classified as a Variant of Uncertain Significance. Advanced modeling of protein sequence and biophysical properties (such as structural, functional, and spatial information, amino acid conservation, physicochemical variation, residue mobility, and thermodynamic stability) performed at Invitae indicates that this missense variant is expected to disrupt GRIN2B protein function. This variant is not present in population databases (ExAC no frequency). This sequence change replaces proline with leucine at codon 582 of the GRIN2B protein (p.Pro582Leu). The proline residue is highly conserved and there is a moderate physicochemical difference between proline and leucine.

NM_000834.5(GRIN2B):c.1745C>T (p.Pro582Leu)

Gene: GRIN2B (glutamate ionotropic receptor NMDA type subunit 2B; minus strand). Cytogenetic location: 12p13.1.
Variant type: single nucleotide variant.
Coding change: c.1745C>T on transcript NM_000834.5 (MANE Select); coding-DNA position 1745, C replaced by T.
Protein change: p.Pro582Leu; replaces proline 582 with leucine.
Molecular consequence: missense variant.
Genome position (GRCh38, 1-based): chr12:13,611,760, G>A on the plus strand (C>T on the coding strand, the complement: GRIN2B is on the minus strand). VCF-style: chr12-13611760-G-A. GRCh37 (hg19) VCF-style: chr12-13764694-G-A.
Other names: short protein forms P582L.
Identifiers: ClinVar variation 1389112 (VCV001389112.8), dbSNP rs796052581, ClinGen allele CA384051447.